The following is an entry in ClinVar:

ClinVar aggregate classification (germline): Conflicting classifications of pathogenicity. Review status: criteria provided, conflicting classifications (1 of 4 stars). 16 submissions from 15 submitters: Uncertain significance (1); Benign (10); Likely benign (4). 1 of the submissions does not count toward it. Last evaluated 2026-09-01.

Conditions:
MEN1-related disorder. Also called: MEN1-related condition.
Hyperparathyroidism. Identifiers: MedGen C0020502, MONDO:0001741, HP:0000843.
Hereditary cancer-predisposing syndrome. Also called: Neoplastic Syndromes, Hereditary; Hereditary Cancer Syndrome; Tumor predisposition; Hereditary neoplastic syndrome. Identifiers: Orphanet 140162, MedGen C0027672, MeSH D009386, MONDO:0015356.
Multiple endocrine neoplasia, type 1 (MEN1). Also called: MEA I; MEN I; WERMER SYNDROME; Endocrine adenomatosis multiple; MEN 1. Identifiers: Orphanet 652, MedGen C0025267, MeSH D018761, MONDO:0007540, OMIM 131100.

Allele frequency attached by ClinVar (database versions not stated): ESP Exome Variant Server 0.00546; TOPMed 0.00574; 1000 Genomes Project 0.00599; 1000 Genomes Project 30x 0.00718.

Submissions (16):

CeGaT Center for Human Genetics Tuebingen
Classification: Likely benign. Last evaluated: 2026-09-01. Review status: criteria provided, single submitter. Criteria: CeGaT Center For Human Genetics Tuebingen Variant Classification Criteria Version 2. Collection method: clinical testing. Allele origin: germline. Affected: yes. Observed: 5 variant alleles.
Comment: MEN1: BS1

Labcorp Genetics (formerly Invitae), Labcorp
Classification: Benign for Multiple endocrine neoplasia, type 1. Last evaluated: 2026-02-04. Review status: criteria provided, single submitter. Criteria: Invitae Variant Classification Sherloc (09022015). Collection method: clinical testing. Allele origin: germline.

Blueprint Genetics
Classification: Likely benign. Last evaluated: 2024-11-25. Review status: criteria provided, single submitter. Criteria: ACMG Guidelines, 2015. Collection method: clinical testing. Allele origin: germline.

Myriad Genetics, Inc.
Classification: Benign for Multiple endocrine neoplasia, type 1. Last evaluated: 2024-11-01. Review status: criteria provided, single submitter. Criteria: Myriad Autosomal Dominant, Autosomal Recessive and X-Linked Classification Criteria (2023). Collection method: clinical testing. Allele origin: unknown.
Comment: This variant is considered benign. This variant is intronic and is not expected to impact mRNA splicing. This variant has been observed at a population frequency that is significantly greater than expected given the associated disease prevalence and penetrance.

Department of Pathology and Laboratory Medicine, Sinai Health System
Classification: Benign for multiple endocrine neoplasia type 1. Last evaluated: 2023-06-01. Review status: criteria provided, single submitter. Criteria: ACMG Guidelines, 2015. Collection method: clinical testing. Allele origin: germline. Affected: yes.

Quest Diagnostics Nichols Institute San Juan Capistrano
Classification: Benign. Last evaluated: 2023-02-16. Review status: criteria provided, single submitter. Criteria: Quest Diagnostics criteria. Collection method: clinical testing. Allele origin: unknown.

Color Diagnostics, LLC DBA Color Health
Classification: Benign for Multiple endocrine neoplasia, type 1. Last evaluated: 2022-09-20. Review status: criteria provided, single submitter. Criteria: ACMG Guidelines, 2015. Collection method: clinical testing. Allele origin: germline.

Women's Health and Genetics/Laboratory Corporation of America, LabCorp
Classification: Benign. Last evaluated: 2021-09-04. Review status: criteria provided, single submitter. Criteria: LabCorp Variant Classification Summary - May 2015. Collection method: clinical testing. Allele origin: germline.
Comment: Variant summary: MEN1 c.655-6C>T alters a non-conserved nucleotide located close to a canonical splice site and therefore could affect mRNA splicing, leading to a significantly altered protein sequence. 4/4 computational tools predict no significant impact on normal splicing. However, these predictions have yet to be confirmed by functional studies. The variant allele was found at a frequency of 0.0014 in 250756 control chromosomes in the gnomAD database, including 1 homozygotes. The observed variant frequency is approximately 70 fold of the estimated maximal expected allele frequency for a pathogenic variant in MEN1 causing Multiple Endocrine Neoplasia Type 1 phenotype (2.1e-05), strongly suggesting that the variant is benign. To our knowledge, no occurrence of c.655-6C>T in individuals affected with Multiple Endocrine Neoplasia Type 1 and no experimental evidence demonstrating its impact on protein function have been reported. Four clinical diagnostic laboratories have submitted clinical-significance assessments for this variant to ClinVar after 2014 without evidence for independent evaluation (likey benign/benign, n=3; VUS, n=1). Based on the evidence outlined above, the variant was classified as benign.

Laboratory for Molecular Medicine, Mass General Brigham Personalized Medicine
Classification: Benign. Last evaluated: 2021-06-10. Review status: criteria provided, single submitter. Criteria: ACMG Guidelines, 2015. Collection method: clinical testing. Allele origin: germline.
Comment: The c.655-6C>T variant in MEN1 is classified as benign because it has been identified in 1.79% (445/24892) of African chromosomes, including 1 homozygote, by gnomAD. ACMG/AMP Criteria applied: BA1.

Sema4
Classification: Benign for Hereditary cancer-predisposing syndrome. Last evaluated: 2020-10-15. Review status: criteria provided, single submitter. Criteria: Sema4 Curation Guidelines. Collection method: curation. Allele origin: germline.

Illumina Laboratory Services, Illumina
Classification: Benign for Multiple endocrine neoplasia, type 1. Last evaluated: 2018-01-12. Review status: criteria provided, single submitter. Criteria: ICSL Variant Classification Criteria 13 December 2019. Collection method: clinical testing. Allele origin: germline.
Comment: This variant was observed in the ICSL laboratory as part of a predisposition screen in an ostensibly healthy population. It had not been previously curated by ICSL or reported in the Human Gene Mutation Database (HGMD: prior to June 1st, 2018), and was therefore a candidate for classification through an automated scoring system. Utilizing variant allele frequency, disease prevalence and penetrance estimates, and inheritance mode, an automated score was calculated to assess if this variant is too frequent to cause the disease. Based on the score and internal cut-off values, a variant classified as benign is not then subjected to further curation. The score for this variant resulted in a classification of benign for this disease.

Illumina Laboratory Services, Illumina
Classification: Likely benign for Hyperparathyroidism. Last evaluated: 2018-01-12. Review status: criteria provided, single submitter. Criteria: ICSL Variant Classification Criteria 13 December 2019. Collection method: clinical testing. Allele origin: germline.
Comment: This variant was observed in the ICSL laboratory as part of a predisposition screen in an ostensibly healthy population. It had not been previously curated by ICSL or reported in the Human Gene Mutation Database (HGMD: prior to June 1st, 2018), and was therefore a candidate for classification through an automated scoring system. Utilizing variant allele frequency, disease prevalence and penetrance estimates, and inheritance mode, an automated score was calculated to assess if this variant is too frequent to cause the disease. Based on the score and internal cut-off values, a variant classified as likely benign is not then subjected to further curation. The score for this variant resulted in a classification of likely benign for this disease.

Ambry Genetics
Classification: Likely benign for Hereditary cancer-predisposing syndrome. Last evaluated: 2015-11-30. Review status: criteria provided, single submitter. Criteria: Ambry Variant Classification Scheme 2023. Collection method: clinical testing. Allele origin: germline.

GeneDx
Classification: Benign. Last evaluated: 2015-03-03. Review status: criteria provided, single submitter. Criteria: GeneDx Variant Classification Process June 2021. Collection method: clinical testing. Allele origin: germline. Affected: yes.
Comment: This variant is associated with the following publications: (PMID: 23321498, 10849016)

Eurofins Ntd Llc (ga)
Classification: Uncertain significance. Last evaluated: 2013-04-02. Review status: criteria provided, single submitter. Criteria: EGL Classification Definitions 2015. Collection method: clinical testing. Allele origin: germline. Observed: 2 variant alleles, 2 heterozygotes.

PreventionGenetics, part of Exact Sciences
Classification: Benign for MEN1-related condition. Last evaluated: 2019-04-15. Review status: no assertion criteria provided. Collection method: clinical testing. Allele origin: germline. Not counted in ClinVar's aggregate classification.
Comment: This variant is classified as benign based on ACMG/AMP sequence variant interpretation guidelines (Richards et al. 2015 PMID: 25741868, with internal and published modifications).

Literature cited by the submitters: PubMed 23334809 (cited by Quest Diagnostics Nichols Institute San Juan Capistrano and Women's Health and Genetics/Laboratory Corporation of America, LabCorp); PubMed 10849016 (cited by 3 submitters); PubMed 16595707 (cited by Quest Diagnostics Nichols Institute San Juan Capistrano and Women's Health and Genetics/Laboratory Corporation of America, LabCorp); PubMed 10634374 (cited by Quest Diagnostics Nichols Institute San Juan Capistrano and Women's Health and Genetics/Laboratory Corporation of America, LabCorp); PubMed 11836268 (cited by Quest Diagnostics Nichols Institute San Juan Capistrano and Women's Health and Genetics/Laboratory Corporation of America, LabCorp); PubMed 23321498 (cited by 3 submitters); PubMed 16322378 (cited by Women's Health and Genetics/Laboratory Corporation of America, LabCorp); PubMed 17879353 (cited by Women's Health and Genetics/Laboratory Corporation of America, LabCorp); PubMed 22024364 (cited by Women's Health and Genetics/Laboratory Corporation of America, LabCorp).

NM_001370259.2(MEN1):c.655-6C>T

Gene: MEN1 (menin 1; minus strand). Cytogenetic location: 11q13.1.
Variant type: single nucleotide variant.
Coding change: c.655-6C>T on transcript NM_001370259.2 (MANE Select); 6 bases into the intron before coding-DNA position 655, C replaced by T.
Molecular consequence: intron variant.
Genome position (GRCh38, 1-based): chr11:64,807,686, G>A on the plus strand (C>T on the coding strand, the complement: MEN1 is on the minus strand). VCF-style: chr11-64807686-G-A. GRCh37 (hg19) VCF-style: chr11-64575158-G-A.
Other names: c.670-6C>T (NM_130804.3, NM_130803.3, NM_000244.4 and 3 more transcripts); c.655-6C>T (NM_130799.3, NM_001370260.2, NM_001370251.2 and 1 more transcripts); c.550-6C>T (NM_001370263.2, NM_001370262.2).
Identifiers: ClinVar variation 96253 (VCV000096253.60), dbSNP rs77461664, ClinGen allele CA009562.
Genomic context (GRCh38, chr11:64,807,686, plus strand): 5'-CCACCTCCATCTTGCGGTCACAGCGCATGTATGATCCTTTCAGGTACAGCCAGCTCTTAG[G>A]GGGGGATGAGATCATTATGTCTCATGATGGCCCACCCTGTGCCTGCTTCAGGGAATGACA-3'